The following is an entry in ClinVar:

NM_000484.4(APP):c.803G>A (p.Arg268Lys)

Gene: APP (amyloid beta precursor protein; minus strand). Cytogenetic location: 21q21.3.
Variant type: single nucleotide variant.
Coding change: c.803G>A on transcript NM_000484.4 (MANE Select); coding-DNA position 803, G replaced by A.
Protein change: p.Arg268Lys; replaces arginine 268 with lysine.
Molecular consequence: missense variant.
Genome position (GRCh38, 1-based): chr21:26,021,902, C>T on the plus strand (G>A on the coding strand, the complement: APP is on the minus strand). VCF-style: chr21-26021902-C-T. GRCh37 (hg19) VCF-style: chr21-27394218-C-T.
Other names: c.788G>A, p.Arg263Lys (NM_001136016.3); c.635G>A, p.Arg212Lys (NM_001136129.3, NM_001136130.3); c.698G>A, p.Arg233Lys (NM_001136131.3); c.803G>A, p.Arg268Lys (NM_001204301.2, NM_001204302.2, NM_001204303.2 and 3 more transcripts); short protein forms R212K, R233K, R263K, R268K.
Identifiers: ClinVar variation 644611 (VCV000644611.9), dbSNP rs1601237753, ClinGen allele CA409862122.

ClinVar aggregate classification (germline): Uncertain significance (1 of 4 stars; one submission).

Conditions:
Alzheimer disease. Also called: Presenile and senile dementia; Alzheimer's disease. Identifiers: Orphanet 1020, MedGen C0002395, MeSH D000544, MONDO:0004975, HP:0002511.

Submission:

Labcorp Genetics (formerly Invitae), Labcorp
Classification: Uncertain significance for Alzheimer disease. Last evaluated: 2022-11-22. Review status: criteria provided, single submitter. Criteria: Invitae Variant Classification Sherloc (09022015). Collection method: clinical testing. Allele origin: germline.
Comment: In summary, the available evidence is currently insufficient to determine the role of this variant in disease. Therefore, it has been classified as a Variant of Uncertain Significance. Advanced modeling of protein sequence and biophysical properties (such as structural, functional, and spatial information, amino acid conservation, physicochemical variation, residue mobility, and thermodynamic stability) performed at Invitae indicates that this missense variant is not expected to disrupt APP protein function. ClinVar contains an entry for this variant (Variation ID: 644611). This variant has not been reported in the literature in individuals affected with APP-related conditions. This variant is not present in population databases (gnomAD no frequency). This sequence change replaces arginine, which is basic and polar, with lysine, which is basic and polar, at codon 268 of the APP protein (p.Arg268Lys).